The following is an entry in ClinVar:

NM_001145809.2(MYH14):c.693+12C>T

Gene: MYH14 (myosin heavy chain 14; plus strand). Cytogenetic location: 19q13.33.
Variant type: single nucleotide variant.
Coding change: c.693+12C>T on transcript NM_001145809.2 (MANE Select); 12 bases into the intron after coding-DNA position 693, C replaced by T.
Molecular consequence: intron variant.
Genome position (GRCh38, 1-based): chr19:50,223,361, C>T. VCF-style: chr19-50223361-C-T. GRCh37 (hg19) VCF-style: chr19-50726618-C-T.
Other names: c.693+12C>T (NM_001077186.2, NM_024729.4).
Identifiers: ClinVar variation 164166 (VCV000164166.15), dbSNP rs370673291, ClinGen allele CA176880.

ClinVar aggregate classification (germline): Benign/Likely benign. Review status: criteria provided, multiple submitters, no conflicts (2 of 4 stars). 5 submissions from 5 submitters: Benign (1); Likely benign (4). Last evaluated 2025-05-06.

Allele frequency attached by ClinVar (database versions not stated): gnomAD 0.00009 and 0.00013; gnomAD exomes 0.00011 and 0.00021; TOPMed 0.00011; 1000 Genomes Project 30x 0.00016; ESP Exome Variant Server 0.00016; 1000 Genomes Project 0.00020; ExAC 0.00038.
gnomAD v4.1: 179 of 1,544,274 alleles (0.012%); highest among the groups gnomAD compares: Middle Eastern, 0.15%; no homozygotes.

Submissions (5):

Women's Health and Genetics/Laboratory Corporation of America, LabCorp
Classification: Benign. Last evaluated: 2025-05-06. Review status: criteria provided, single submitter. Criteria: LabCorp Variant Classification Summary - May 2015. Collection method: clinical testing. Allele origin: germline.

Blueprint Genetics
Classification: Likely benign. Last evaluated: 2024-10-04. Review status: criteria provided, single submitter. Criteria: ACMG Guidelines, 2015. Collection method: clinical testing. Allele origin: germline.

Labcorp Genetics (formerly Invitae), Labcorp
Classification: Likely benign. Last evaluated: 2023-08-19. Review status: criteria provided, single submitter. Criteria: Invitae Variant Classification Sherloc (09022015). Collection method: clinical testing. Allele origin: germline.

Laboratory for Molecular Medicine, Mass General Brigham Personalized Medicine
Classification: Likely benign. Last evaluated: 2012-04-30. Review status: criteria provided, single submitter. Criteria: LMM Criteria. Collection method: clinical testing. Allele origin: germline. Observed: 1 variant allele.
Comment: c.693+12C>T in intron 5 of MYH14: This variant is not expected to have clinical significance because it is not located within the conserved splice consensus seq uence and has been identified in 1/3468 African American chromosomes by the NHLB I Exome Sequencing Project.

Breakthrough Genomics
Classification: Likely benign. Review status: criteria provided, single submitter. Criteria: ACMG Guidelines, 2015. Collection method: not provided. Allele origin: germline. Inheritance: Autosomal dominant inheritance. Affected: yes.